The following is an entry in ClinVar:

ClinVar aggregate classification (germline): Uncertain significance. Review status: criteria provided, multiple submitters, no conflicts (2 of 4 stars). 2 submissions from 2 submitters: Uncertain significance (2). Last evaluated 2025-08-25.

Allele frequency attached by ClinVar (database versions not stated): gnomAD exomes 0.00004 and 0.00007; ExAC 0.00007; ESP Exome Variant Server 0.00031; TOPMed 0.00039; gnomAD 0.00048 and 0.00053.
gnomAD v4.1: 128 of 1,611,510 alleles (0.0079%); highest among the groups gnomAD compares: African/African-American, 0.16%; no homozygotes.

Submissions (2):

Labcorp Genetics (formerly Invitae), Labcorp
Classification: Uncertain significance. Last evaluated: 2025-08-25. Review status: criteria provided, single submitter. Criteria: Invitae Variant Classification Sherloc (09022015). Collection method: clinical testing. Allele origin: germline.
Comment: This sequence change replaces alanine, which is neutral and non-polar, with aspartic acid, which is acidic and polar, at codon 527 of the ADGRA3 protein (p.Ala527Asp). This variant is present in population databases (rs201873439, gnomAD 0.1%), and has an allele count higher than expected for a pathogenic variant. This variant has not been reported in the literature in individuals affected with ADGRA3-related conditions. ClinVar contains an entry for this variant (Variation ID: 848169). An algorithm developed to predict the effect of missense changes on protein structure and function (PolyPhen-2) suggests that this variant is likely to be disruptive. In summary, the available evidence is currently insufficient to determine the role of this variant in disease. Therefore, it has been classified as a Variant of Uncertain Significance.

Ambry Genetics
Classification: Uncertain significance. Last evaluated: 2021-10-14. Review status: criteria provided, single submitter. Criteria: Ambry Variant Classification Scheme 2023. Collection method: clinical testing. Allele origin: germline.

NM_145290.4(ADGRA3):c.1580C>A (p.Ala527Asp)

Gene: ADGRA3 (adhesion G protein-coupled receptor A3; minus strand). Cytogenetic location: 4p15.2.
Variant type: single nucleotide variant.
Coding change: c.1580C>A on transcript NM_145290.4 (MANE Select); coding-DNA position 1580, C replaced by A.
Protein change: p.Ala527Asp; replaces alanine 527 with aspartic acid.
Molecular consequence: missense variant.
Genome position (GRCh38, 1-based): chr4:22,424,216, G>T on the plus strand (C>A on the coding strand, the complement: ADGRA3 is on the minus strand). VCF-style: chr4-22424216-G-T. GRCh37 (hg19) VCF-style: chr4-22425839-G-T.
Other names: c.1580C>A (NM_145290.2); short protein forms A527D.
Identifiers: ClinVar variation 848169 (VCV000848169.8), dbSNP rs201873439, ClinGen allele CA2873914.